The following is an entry in ClinVar:

NM_203447.4(DOCK8):c.5297G>A (p.Arg1766Gln)

Gene: DOCK8 (dedicator of cytokinesis 8; plus strand). Cytogenetic location: 9p24.3.
Variant type: single nucleotide variant.
Coding change: c.5297G>A on transcript NM_203447.4 (MANE Select); coding-DNA position 5297, G replaced by A.
Protein change: p.Arg1766Gln; replaces arginine 1766 with glutamine.
Molecular consequence: missense variant.
Genome position (GRCh38, 1-based): chr9:441,359, G>A. VCF-style: chr9-441359-G-A. GRCh37 (hg19) VCF-style: chr9-441359-G-A.
Other names: c.4997G>A, p.Arg1666Gln (NM_001190458.2); c.5093G>A, p.Arg1698Gln (NM_001193536.2); c.5297G>A (NM_203447.3); short protein forms R1666Q, R1698Q, R1766Q.
Identifiers: ClinVar variation 1351420 (VCV001351420.7), dbSNP rs530454954, ClinGen allele CA4959386.

ClinVar aggregate classification (germline): Uncertain significance. Review status: criteria provided, multiple submitters, no conflicts (2 of 4 stars). 2 submissions from 2 submitters: Uncertain significance (2). Last evaluated 2024-12-12.

Allele frequency attached by ClinVar (database versions not stated): gnomAD 0.00005 and 0.00006; gnomAD exomes 0.00005 and 0.00009; TOPMed 0.00005; ExAC 0.00012; 1000 Genomes Project 30x 0.00031; 1000 Genomes Project 0.00040.
gnomAD v4.1: 84 of 1,614,174 alleles (0.0052%); highest among the groups gnomAD compares: South Asian, 0.029%; 1 homozygote.

Submissions (2):

Labcorp Genetics (formerly Invitae), Labcorp
Classification: Uncertain significance for Combined immunodeficiency due to DOCK8 deficiency. Last evaluated: 2024-12-12. Review status: criteria provided, single submitter. Criteria: Invitae Variant Classification Sherloc (09022015). Collection method: clinical testing. Allele origin: germline.
Comment: This sequence change replaces arginine, which is basic and polar, with glutamine, which is neutral and polar, at codon 1766 of the DOCK8 protein (p.Arg1766Gln). This variant is present in population databases (rs530454954, gnomAD 0.03%). This variant has not been reported in the literature in individuals affected with DOCK8-related conditions. ClinVar contains an entry for this variant (Variation ID: 1351420). Invitae Evidence Modeling of protein sequence and biophysical properties (such as structural, functional, and spatial information, amino acid conservation, physicochemical variation, residue mobility, and thermodynamic stability) indicates that this missense variant is not expected to disrupt DOCK8 protein function with a negative predictive value of 80%. In summary, the available evidence is currently insufficient to determine the role of this variant in disease. Therefore, it has been classified as a Variant of Uncertain Significance.

GeneDx
Classification: Uncertain significance. Last evaluated: 2023-11-11. Review status: criteria provided, single submitter. Criteria: GeneDx Variant Classification Process June 2021. Collection method: clinical testing. Allele origin: germline. Affected: yes.
Comment: In silico analysis supports that this missense variant does not alter protein structure/function; Has not been previously published as pathogenic or benign to our knowledge; This variant is associated with the following publications: (PMID: 27350570, 19898472)